The following is an entry in ClinVar:

ClinVar aggregate classification (germline): Likely pathogenic (1 of 4 stars; one submission).

Conditions:
Classic homocystinuria. Also called: HOMOCYSTINURIA WITH OR WITHOUT RESPONSE TO PYRIDOXINE; Homocystinuria due to CBS deficiency; Cystathionine beta-synthase deficiency; CBS deficiency; Homocystinuria due to Cystathionine Beta-Synthase Deficiency. Identifiers: Orphanet 394, MedGen C0751202, MONDO:0009352, OMIM 236200.

Submission:

Natera, Inc.
Classification: Likely pathogenic for Homocystinuria due to cystathionine beta-synthase deficiency. Last evaluated: 2026-01-08. Review status: criteria provided, single submitter. Criteria: Natera Variant Classification Schema (03/2026). Collection method: clinical testing. Allele origin: germline.
Comment: The c.518_520del variant in CBS is an in-frame deletion predicted to remove methionine at amino acid 173 while preserving the reading frame. This variant is rare in the general population with a frequency below the threshold expected for the associated phenotype(s). This variant has been observed in one or more individuals affected with the associated recessive disease, as either homozygous or compound heterozygous with a second variant (PMID: 21520339, 33057012). This variant results in a change to the protein length while preserving reading frame, which may disrupt normal protein structure or function. Computational prediction algorithms indicate this variant is likely to affect gene or protein function. Given the available evidence, this variant is classified as Likely Pathogenic.

Literature cited by the submitters: PubMed 21520339; PubMed 33057012.

NM_000071.3(CBS):c.518_520del (p.Met173del)

Gene: CBS (cystathionine beta-synthase; minus strand). Cytogenetic location: 21q22.3.
Variant type: Deletion.
Coding change: c.518_520del on transcript NM_000071.3 (MANE Select); coding-DNA positions 518 to 520, 3 bases deleted (TGA; older notation c.518_520delTGA).
Protein change: p.Met173del; deletes methionine 173.
Molecular consequence: inframe indel (on NM_000071.2).
Genome position (GRCh38, 1-based): chr21:43,065,627-43,065,629, TCA deleted on the plus strand (TGA on the coding strand, the reverse complement: CBS is on the minus strand); deleting any 3 consecutive bases within chr21:43,065,627-43,065,631 gives the same sequence; the c. name uses the placement nearest the transcript's 3' end. VCF-style (leftmost placement, unchanged base first): chr21-43065626-CTCA-C. GRCh37 (hg19) VCF-style: chr21-44485736-CTCA-C.
Other names: c.516_518delGAT, p.Met173del (NM_000071.2); c.518_520del, p.Met173del (NM_001178008.3, NM_001178009.3, NM_001320298.2); c.203_205del, p.Met68del (NM_001321072.1); c.518_520del (NM_000071.2); short protein forms M173del, M68del.
Identifiers: ClinVar variation 4816629 (VCV004816629.1).